The following is an entry in ClinVar:

ClinVar aggregate classification (germline): Pathogenic (1 of 4 stars; one submission).

Conditions:
Fanconi anemia complementation group J. Also called: BRIP1-Related Fanconi Anemia. Identifiers: Orphanet 84, MedGen C1836860, MONDO:0012187, OMIM 609054.
Familial cancer of breast. Also called: BREAST CANCER, FAMILIAL; hereditary breast carcinoma; Hereditary breast cancer. Identifiers: Orphanet 227535, MedGen C0346153, MONDO:0016419, OMIM 114480. Disease mechanism: loss of function.

Submission:

Labcorp Genetics (formerly Invitae), Labcorp
Classification: Pathogenic for Familial cancer of breast; Fanconi anemia complementation group J. Last evaluated: 2018-01-05. Review status: criteria provided, single submitter. Criteria: Invitae Variant Classification Sherloc (09022015). Collection method: clinical testing. Allele origin: germline.
Comment: This variant is an in-frame deletion of the genomic region encompassing exons 7-16 of the BRIP1 gene. It preserves the integrity of the reading frame. While this particular variant has not been reported in the literature, other copy number variants that delete a subset of exons 7-16, while also preserving the integrity of the reading frame, have been reported in individuals with ovarian cancer (PMID: 26720728), and have been classified as pathogenic (PMID: 16973432, 16116424, Invitae). This sequence change removes nearly all of the iron-sulfur (Fe-S) cluster binding domain of BRIP1, including two of the four conserved cysteine residues (PMID: 16973432). It also removes the alanine residue at codon 349, which is disrupted in an individual with Fanconi anemia (PMID: 16116424), and is predicted to abolish BRIP1 helicase activity (PMID: 16973432). These results indicate that domain encodes a necessary part of the BRIP1 gene product. For these reasons, this variant has been classified as Pathogenic.

Literature cited by the submitters: PubMed 16973432; PubMed 26720728; PubMed 16116424.

NC_000017.11:g.(?_61743007)_(61808763_?)del

Genes: BRIP1 (BRCA1 interacting DNA helicase 1; minus strand), LOC130061360 (ATAC-STARR-seq lymphoblastoid active region 12535; plus strand). Cytogenetic location: 17q23.2.
Variant type: Deletion.
Identifiers: ClinVar variation 530388 (VCV000530388.2).